The following is an entry in ClinVar:

NM_014714.4(IFT140):c.1524+14C>G

Genes: IFT140 (intraflagellar transport 140; minus strand), LOC105371046 (uncharacterized LOC105371046; plus strand). Cytogenetic location: 16p13.3.
Variant type: single nucleotide variant.
Coding change: c.1524+14C>G on transcript NM_014714.4 (MANE Select); 14 bases into the intron after coding-DNA position 1524, C replaced by G.
Molecular consequence: intron variant.
Genome position (GRCh38, 1-based): chr16:1,580,745, G>C on the plus strand (C>G on the coding strand, the complement: IFT140 is on the minus strand). VCF-style: chr16-1580745-G-C. GRCh37 (hg19) VCF-style: chr16-1630746-G-C.
Identifiers: ClinVar variation 884263 (VCV000884263.14), dbSNP rs369481491, ClinGen allele CA7814251.
Genomic context (GRCh38, chr16:1,580,745, plus strand): 5'-ACAGGCTTTGTCTCAATTGAGAGGCAGGATTTCAAACTCTGCTCTGGTTTTCTTGCAGTG[G>C]AGCAGCAACTTACCTGCCAGGTTCGAACTTGAACTCGGTTTGACTCCACCGTGTAAACGT-3'

ClinVar aggregate classification (germline): Benign/Likely benign. Review status: criteria provided, multiple submitters, no conflicts (2 of 4 stars). 4 submissions from 4 submitters: Benign (1); Likely benign (3). Last evaluated 2026-02-02.

Conditions:
Saldino-Mainzer syndrome (SRTD9). Also called: Renal dysplasia, retinal pigmentary dystrophy, cerebellar ataxia and skeletal dysplasia; SHORT-RIB THORACIC DYSPLASIA 9 WITHOUT POLYDACTYLY; CONORENAL SYNDROME; short-rib thoracic dysplasia 9 with or without polydactyly. Identifiers: Orphanet 140969, MedGen C1849437, MONDO:0009964, OMIM 266920.
Retinitis pigmentosa 80 (RP80). Identifiers: MedGen C4540439, MONDO:0054708, OMIM 617781.

Allele frequency attached by ClinVar (database versions not stated): gnomAD exomes 0.00065; ExAC 0.00077; 1000 Genomes Project 0.00200; 1000 Genomes Project 30x 0.00219; gnomAD 0.00226 and 0.00241; TOPMed 0.00246; ESP Exome Variant Server 0.00254.
gnomAD v4.1: 651 of 1,589,066 alleles (0.041%); highest among the groups gnomAD compares: African/African-American, 0.77%; 5 homozygotes.

Submissions (4):

Labcorp Genetics (formerly Invitae), Labcorp
Classification: Benign for Saldino-Mainzer syndrome. Last evaluated: 2026-02-02. Review status: criteria provided, single submitter. Criteria: Invitae Variant Classification Sherloc (09022015). Collection method: clinical testing. Allele origin: germline.

Blueprint Genetics
Classification: Likely benign. Last evaluated: 2024-10-08. Review status: criteria provided, single submitter. Criteria: ACMG Guidelines, 2015. Collection method: clinical testing. Allele origin: germline.

Fulgent Genetics
Classification: Likely benign for Saldino-Mainzer syndrome; Retinitis pigmentosa 80. Last evaluated: 2021-09-16. Review status: criteria provided, single submitter. Criteria: ACMG Guidelines, 2015. Collection method: clinical testing. Allele origin: unknown.

Illumina Laboratory Services, Illumina
Classification: Likely benign for Saldino-Mainzer syndrome. Last evaluated: 2018-01-12. Review status: criteria provided, single submitter. Criteria: ICSL Variant Classification Criteria 13 December 2019. Collection method: clinical testing. Allele origin: germline.
Comment: This variant was observed in the ICSL laboratory as part of a predisposition screen in an ostensibly healthy population. It had not been previously curated by ICSL or reported in the Human Gene Mutation Database (HGMD: prior to June 1st, 2018), and was therefore a candidate for classification through an automated scoring system. Utilizing variant allele frequency, disease prevalence and penetrance estimates, and inheritance mode, an automated score was calculated to assess if this variant is too frequent to cause the disease. Based on the score and internal cut-off values, a variant classified as likely benign is not then subjected to further curation. The score for this variant resulted in a classification of likely benign for this disease.